The following is an entry in ClinVar:

ClinVar aggregate classification (germline): Conflicting classifications of pathogenicity. Review status: criteria provided, conflicting classifications (1 of 4 stars). 3 submissions from 3 submitters: Likely pathogenic (1); Uncertain significance (2). Last evaluated 2025-10-06.

Conditions:
Neurodevelopmental delay. Identifiers: MedGen C4022738, HP:0012758.

Allele frequency attached by ClinVar (database versions not stated): gnomAD 0.00003 and 0.00004; gnomAD exomes 0.00003 and 0.00006; TOPMed 0.00003; ExAC 0.00023.
gnomAD v4.1: 54 of 1,551,424 alleles (0.0035%); highest among the groups gnomAD compares: South Asian, 0.024%; 2 homozygotes.

Submissions (3):

Labcorp Genetics (formerly Invitae), Labcorp
Classification: Uncertain significance. Last evaluated: 2025-10-06. Review status: criteria provided, single submitter. Criteria: Invitae Variant Classification Sherloc (09022015). Collection method: clinical testing. Allele origin: germline.
Comment: This sequence change replaces alanine, which is neutral and non-polar, with valine, which is neutral and non-polar, at codon 1449 of the UNC80 protein (p.Ala1449Val). This variant is present in population databases (rs750442854, gnomAD 0.03%). This variant has not been reported in the literature in individuals affected with UNC80-related conditions. ClinVar contains an entry for this variant (Variation ID: 1354110). Invitae Evidence Modeling of protein sequence and biophysical properties (such as structural, functional, and spatial information, amino acid conservation, physicochemical variation, residue mobility, and thermodynamic stability) indicates that this missense variant is not expected to disrupt UNC80 protein function with a negative predictive value of 80%. In summary, the available evidence is currently insufficient to determine the role of this variant in disease. Therefore, it has been classified as a Variant of Uncertain Significance.

Blueprint Genetics
Classification: Uncertain significance. Last evaluated: 2024-09-02. Review status: criteria provided, single submitter. Criteria: ACMG Guidelines, 2015. Collection method: clinical testing. Allele origin: germline.

Centre de Biologie Pathologie Génétique, Centre Hospitalier Universitaire de Lille
Classification: Likely pathogenic for Neurodevelopmental delay. Review status: criteria provided, single submitter. Criteria: ACMG Guidelines, 2015. Collection method: clinical testing. Allele origin: unknown. Affected: yes.

NM_001371986.1(UNC80):c.4544C>T (p.Ala1515Val)

Gene: UNC80 (unc-80 subunit of NALCN channel complex; plus strand). Cytogenetic location: 2q34.
Variant type: single nucleotide variant.
Coding change: c.4544C>T on transcript NM_001371986.1 (MANE Select); coding-DNA position 4544, C replaced by T.
Protein change: p.Ala1515Val; replaces alanine 1515 with valine.
Molecular consequence: missense variant.
Genome position (GRCh38, 1-based): chr2:209,896,376, C>T. VCF-style: chr2-209896376-C-T. GRCh37 (hg19) VCF-style: chr2-210761100-C-T.
Other names: c.4346C>T, p.Ala1449Val (NM_032504.2); c.4331C>T, p.Ala1444Val (NM_182587.4); short protein forms A1449V, A1444V, A1515V.
Identifiers: ClinVar variation 1354110 (VCV001354110.8), dbSNP rs750442854, ClinGen allele CA2083204.
Genomic context (GRCh38, chr2:209,896,376, plus strand): 5'-GGAGTCCTTGGAGTGCAAGCGAGCCCAGCATTGAGCCAGAGGGAATGAGTAATGCCGGCG[C>T]GGAGGAGAATTACCACAGAAACATGTCGTGGCTTCATGTAAGTAGGAATCTCAGAAACAG-3'
Protein context (NP_001358915.1, residues 1505-1525): IEPEGMSNAG[Ala1515Val]EENYHRNMSW